The following is an entry in ClinVar:

NM_002024.6(FMR1):c.1820C>T (p.Thr607Met)

Gene: FMR1 (fragile X messenger ribonucleoprotein 1; plus strand). Cytogenetic location: Xq27.3.
Variant type: single nucleotide variant.
Coding change: c.1820C>T on transcript NM_002024.6 (MANE Select); coding-DNA position 1820, C replaced by T.
Protein change: p.Thr607Met; replaces threonine 607 with methionine.
Molecular consequence: missense variant. On other transcripts: non-coding transcript variant (2).
Genome position (GRCh38, 1-based): chrX:147,948,765, C>T. VCF-style: chrX-147948765-C-T. GRCh37 (hg19) VCF-style: chrX-147030285-C-T.
Other names: p.Thr607Met; c.1549C>T, p.Arg517Trp (NM_001185075.2); c.1757C>T, p.Thr586Met (NM_001185076.2); c.1486C>T, p.Arg496Trp (NM_001185081.2); c.1682C>T, p.Thr561Met (NM_001185082.2); short protein forms T586M, R496W, T561M, T607M, R517W.
Identifiers: ClinVar variation 1780757 (VCV001780757.3), dbSNP rs781858260, ClinGen allele CA10536393.

ClinVar aggregate classification (germline): Likely benign. Review status: criteria provided, multiple submitters, no conflicts (2 of 4 stars). 2 submissions from 2 submitters: Likely benign (2). Last evaluated 2025-08-01.

Conditions:
Inborn genetic diseases. Identifiers: MedGen C0950123, MeSH D030342.

Allele frequency attached by ClinVar (database versions not stated): ExAC 0.00007; TOPMed 0.00003; gnomAD exomes 0.00007.
gnomAD v4.1: 80 of 1,211,056 alleles (0.0066%); highest among the groups gnomAD compares: Non-Finnish European, 0.0076%; no homozygotes.

Submissions (2):

Mayo Clinic Laboratories, Mayo Clinic
Classification: Likely benign. Last evaluated: 2025-08-01. Review status: criteria provided, single submitter. Criteria: ACMG Guidelines, 2015. Collection method: clinical testing. Allele origin: germline. Observed: 1 variant allele.
Comment: BS2, BP4_moderate

Ambry Genetics
Classification: Likely benign for Inborn genetic diseases. Last evaluated: 2019-09-20. Review status: criteria provided, single submitter. Criteria: Ambry Variant Classification Scheme 2023. Collection method: clinical testing. Allele origin: germline.